The following continues an entry in ClinVar:

NM_007294.4(BRCA1):c.4183C>T (p.Gln1395Ter)

Gene: BRCA1. ClinVar aggregate classification (germline): Pathogenic. Pathogenic (1).

Submissions 9 to 26 of 30:

Foundation for Research in Genetics and Endocrinology, FRIGE's Institute of Human Genetics
Classification: Pathogenic for Breast-ovarian cancer, familial, susceptibility to, 1. Last evaluated: 2022-09-07. Review status: criteria provided, single submitter. Criteria: ACMG Guidelines, 2015. Collection method: clinical testing. Allele origin: germline. Inheritance: Autosomal dominant inheritance. Affected: yes. Observed: 1 heterozygote. Not counted in ClinVar's aggregate classification.
Comment: A heterozygous nonsense splice site proximal variation in exon 11 of the BRCA1 gene that results in a stop codon and premature truncation of the protein at codon 1395 was detected . The variant is documented as pathogenic in hereditary breast ovarian cancer syndrome in the ClinVar database. The variant has not been reported in the 1000 genomes and gnomAD databases . The in-silico prediction of the variant is damaging by Mutation Taster2 tool. The reference codon is conserved across species.

Revvity Omics, Revvity
Classification: Pathogenic. Last evaluated: 2022-07-29. Review status: criteria provided, single submitter. Criteria: ACMG Guidelines, 2015. Collection method: clinical testing. Allele origin: germline. Not counted in ClinVar's aggregate classification.

MGZ Medical Genetics Center
Classification: Pathogenic for Breast-ovarian cancer, familial, susceptibility to, 1. Last evaluated: 2022-02-28. Review status: criteria provided, single submitter. Criteria: ACMG Guidelines, 2015. Collection method: clinical testing. Allele origin: germline. Affected: yes. Observed: 2 variant alleles. Not counted in ClinVar's aggregate classification.
Comment: ACMG criteria applied: PVS1, PS4_MOD, PM2_SUP

Baylor Genetics
Classification: Pathogenic for Breast-ovarian cancer, familial, susceptibility to, 1. Last evaluated: 2021-06-24. Review status: criteria provided, single submitter. Criteria: ACMG Guidelines, 2015. Collection method: clinical testing. Allele origin: unknown. Not counted in ClinVar's aggregate classification.

Women's Health and Genetics/Laboratory Corporation of America, LabCorp
Classification: Pathogenic for Hereditary breast ovarian cancer syndrome. Last evaluated: 2021-03-07. Review status: criteria provided, single submitter. Criteria: LabCorp Variant Classification Summary - May 2015. Collection method: clinical testing. Allele origin: germline. Not counted in ClinVar's aggregate classification.
Comment: Variant summary: BRCA1 c.4183C>T (p.Gln1395X) results in a premature termination codon, predicted to cause a truncation of the encoded protein or absence of the protein due to nonsense mediated decay, which are commonly known mechanisms for disease. Truncations downstream of this position have been classified as pathogenic by our laboratory. The variant allele was found at a frequency of 4.1e-06 in 245892 control chromosomes. c.4183C>T has been reported in the literature in multiple individuals affected with Hereditary Breast And Ovarian Cancer Syndrome (example, Rebbeck_2018). These data indicate that the variant is very likely to be associated with disease. Multiple clinical diagnostic laboratories, one expert panel (ENIGMA) and a consortium (CIMBA) have submitted clinical-significance assessments for this variant to ClinVar after 2014 without evidence for independent evaluation. All submitters classified the variant as pathogenic. Based on the evidence outlined above, the variant was classified as pathogenic.

GeneDx
Classification: Pathogenic. Last evaluated: 2020-11-10. Review status: criteria provided, single submitter. Criteria: GeneDx Variant Classification Process June 2021. Collection method: clinical testing. Allele origin: germline. Affected: yes. Not counted in ClinVar's aggregate classification.
Comment: Nonsense variant predicted to result in protein truncation or nonsense mediated decay in a gene for which loss-of-function is a known mechanism of disease; Not observed at a significant frequency in large population cohorts (Lek 2016); Truncating variants in this gene are considered pathogenic by a well-established clinical consortium and/or database; Also known as 4302C>T; This variant is associated with the following publications: (PMID: 31528241, 31090900, 30322717, 29161300, 29446198, 29907814, 30720243, 29470806, 28135048, 26911350, 26681312, 27553291, 27425403, 26986251, 16287141, 25722380, 20104584, 16683254, 24728189, 19941162, 21559243, 25452441, 17949280, 14672397, 27225819, 24504028, 23772696, 16998791, 16847550, 26014432, 8531967, 22006311)

Institute of Medical Genetics and Applied Genomics, University Hospital Tübingen
Classification: Pathogenic. Last evaluated: 2020-10-23. Review status: criteria provided, single submitter. Criteria: ACMG Guidelines, 2015. Collection method: clinical testing. Allele origin: germline. Inheritance: Unknown mechanism. Affected: yes. Not counted in ClinVar's aggregate classification.

Quest Diagnostics Nichols Institute San Juan Capistrano
Classification: Pathogenic. Last evaluated: 2020-07-22. Review status: criteria provided, single submitter. Criteria: Quest Diagnostics criteria. Collection method: clinical testing. Allele origin: unknown. Not counted in ClinVar's aggregate classification.
Comment: This variant causes the premature termination of BRCA1 protein synthesis. It has been reported in numerous individuals/families with hereditary breast/ovarian cancer syndrome in the published literature (PMID: 31528241 (2019), 31090900 (2019), 30322717 (2018), 29907814 (2018), 29470806 (2018), 29446198 (2018), 29161300 (2017), 27553291 (2016), 27425403 (2016), 26681312 (2015), 26014432 (2015), 24728189 (2014), 24504028 (2014), 23772696 (2014), 22006311 (2011), 16998791 (2006), 16847550 (2006), 11802209 (2002), 8531967 (1996)).

Mendelics
Classification: Pathogenic for Breast-ovarian cancer, familial, susceptibility to, 1. Last evaluated: 2019-05-28. Review status: criteria provided, single submitter. Criteria: Mendelics Assertion Criteria 2017. Collection method: clinical testing. Allele origin: unknown. Not counted in ClinVar's aggregate classification.

Clinical and Functional Genomics Group, A.C.Camargo Cancer Center
Classification: Pathogenic for Hereditary Breast Carcinoma. Last evaluated: 2019-01-30. Review status: criteria provided, single submitter. Criteria: Submitter's publication. Collection method: research. Allele origin: germline. Affected: yes. Observed: 1 variant allele. Not counted in ClinVar's aggregate classification.

Consortium of Investigators of Modifiers of BRCA1/2 (CIMBA), c/o University of Cambridge
Classification: Pathogenic for Breast-ovarian cancer, familial, susceptibility to, 1. Last evaluated: 2015-10-02. Review status: criteria provided, single submitter. Criteria: CIMBA Mutation Classification guidelines May 2016. Collection method: clinical testing. Allele origin: germline. Not counted in ClinVar's aggregate classification.

Neuberg Centre For Genomic Medicine, NCGM
Classification: Pathogenic for Breast-ovarian cancer, familial, susceptibility to, 1. Review status: criteria provided, single submitter. Criteria: ACMG Guidelines, 2015. Collection method: clinical testing. Allele origin: germline. Inheritance: Autosomal dominant inheritance. Affected: yes. Not counted in ClinVar's aggregate classification.
Comment: This variant has been reported in individuals and families affected with breast cancer, ovarian cancer and peritoneal carcinoma (Walsh T et al). The variant is reported with the allele frequency of 0.0004118% in gnomAD database and is novel (not in any individuals) in 1000 Genomes. This variant has been reported to the ClinVar database as Pathogenic. This sequence change creates a premature translational stop signal (p.Gln1395*) in the BRCA1 gene. It is expected to result in an absent or disrupted protein product. Loss-of-function variants in BRCA1 are known to be pathogenic (Borg A et al.). The nucleotide change in BRCA1 is predicted as conserved by GERP++ and PhyloP across 100 vertebrates. For these reasons, this variant has been classified as Pathogenic.

Institute of Human Genetics, Medical University Innsbruck
Classification: Pathogenic for Breast-ovarian cancer, familial 1. Last evaluated: 2015-02-11. Review status: no assertion criteria provided. Criteria: clinical testing. Collection method: clinical testing. Allele origin: germline. Affected: yes. Observed: 14 variant alleles. Study: BRCA-Tyrol. Not counted in ClinVar's aggregate classification.
Comment: BRCA-mutation spectrum Western Austria

Counsyl
Classification: Likely pathogenic for Breast-ovarian cancer, familial 1. Last evaluated: 2014-04-21. Review status: no assertion criteria provided. Collection method: literature only. Allele origin: unknown. Inheritance: Autosomal dominant inheritance. Not counted in ClinVar's aggregate classification.

Research Molecular Genetics Laboratory, Women's College Hospital, University of Toronto
Classification: Pathogenic for Hereditary breast ovarian cancer syndrome. Last evaluated: 2014-01-31. Review status: no assertion criteria provided. Collection method: research. Allele origin: germline. Affected: yes. Study: The Canadian Open Genetics Repository (COGR). Not counted in ClinVar's aggregate classification.

Diagnostics Centre, Carl Von Ossietzky University Oldenburg
Classification: Pathogenic for Familial cancer of breast. Last evaluated: 2013-09-25. Review status: no assertion criteria provided. Collection method: clinical testing. Allele origin: germline. Affected: yes. Observed: 1 variant allele. Not counted in ClinVar's aggregate classification.
Comment: The variant BRCA1:c.4183C>T p.(Gln1395Ter) , which is located in the coding exon 11 of the BRCA1 gene, results from a cytosine-to-thymine substitution at nucleotide position 4183. The glutamine at protein position 1395 is replaced by a premature stop codon which is predicted to cause protein truncation or absence due to non-sense mediated decay. The variant has already been extensively published in unrelated individuals with personal and fammilial history of breast cancer (PMID: 29446198, 22006311, 8531967, 30322717) and also co-segregates with the disease (PMID: 15340362, 20104584, 29907814). It is considered a Tyrolean founder mutation (PMID: 26014432). In the ClinVar database, the variant have multiple entries (25) for Pathogenic or Likely pathogenic (VCV000055125.41) and is assessed as Pathogenic by the ENIGMA expert committee. This variant is very rare in the overall population (no carriers in gnomAD, gnomAD V3.1.2). The variant is classified as Pathogenic.

Foulkes Cancer Genetics LDI, Lady Davis Institute for Medical Research
Classification: Pathogenic for Breast and/or ovarian cancer. Last evaluated: 2013-08-09. Review status: no assertion criteria provided. Collection method: clinical testing. Allele origin: germline. Study: The Canadian Open Genetics Repository (COGR). Not counted in ClinVar's aggregate classification.

Sharing Clinical Reports Project (SCRP)
Classification: Pathogenic for Breast-ovarian cancer, familial 1. Last evaluated: 2012-09-17. Review status: no assertion criteria provided. Collection method: clinical testing. Allele origin: germline. Not counted in ClinVar's aggregate classification.